The following is an entry in ClinVar:

NM_015057.5(MYCBP2):c.4796C>T (p.Ser1599Phe)

Gene: MYCBP2 (MYC binding protein 2; minus strand). Cytogenetic location: 13q22.3.
Variant type: single nucleotide variant.
Coding change: c.4796C>T on transcript NM_015057.5 (MANE Select); coding-DNA position 4796, C replaced by T.
Protein change: p.Ser1599Phe; replaces serine 1599 with phenylalanine.
Molecular consequence: missense variant.
Genome position (GRCh38, 1-based): chr13:77,181,846, G>A on the plus strand (C>T on the coding strand, the complement: MYCBP2 is on the minus strand). VCF-style: chr13-77181846-G-A. GRCh37 (hg19) VCF-style: chr13-77755981-G-A.
Other names: short protein forms S1599F.
Identifiers: ClinVar variation 3365188 (VCV003365188.2).

ClinVar aggregate classification (germline): Uncertain significance (1 of 4 stars; one submission).

Submission:

GeneDx
Classification: Uncertain significance. Last evaluated: 2025-11-25. Review status: criteria provided, single submitter. Criteria: GeneDx Variant Classification Process June 2021. Collection method: clinical testing. Allele origin: germline.
Comment: Not observed at significant frequency in large population cohorts (gnomAD); In silico analysis supports that this missense variant has a deleterious effect on protein structure/function; Has not been previously published as pathogenic or benign to our knowledge